The following is an entry in ClinVar:

ClinVar aggregate classification (germline): Likely benign (1 of 4 stars; one submission).

Allele frequency attached by ClinVar (database versions not stated): gnomAD exomes below 0.00001; ExAC 0.00001; gnomAD 0.00001; TOPMed 0.00002.
gnomAD v4.1: 8 of 1,613,962 alleles (0.0005%); highest among the groups gnomAD compares: Non-Finnish European, 0.00068%; no homozygotes.

Submission:

CeGaT Center for Human Genetics Tuebingen
Classification: Likely benign. Last evaluated: 2022-04-01. Review status: criteria provided, single submitter. Criteria: CeGaT Center For Human Genetics Tuebingen Variant Classification Criteria Version 2. Collection method: clinical testing. Allele origin: germline. Affected: yes. Observed: 1 variant allele.
Comment: SYNE2: BP4, BP7

NM_182914.3(SYNE2):c.10860A>G (p.Gln3620=)

Gene: SYNE2 (spectrin repeat containing nuclear envelope protein 2; plus strand). Cytogenetic location: 14q23.2.
Variant type: single nucleotide variant.
Coding change: c.10860A>G on transcript NM_182914.3 (MANE Select); coding-DNA position 10860, A replaced by G.
Protein change: p.Gln3620=; no amino-acid change (glutamine 3620 retained).
Molecular consequence: synonymous variant.
Genome position (GRCh38, 1-based): chr14:64,074,130, A>G. VCF-style: chr14-64074130-A-G. GRCh37 (hg19) VCF-style: chr14-64540848-A-G.
Other names: c.10860A>G, p.Gln3620= (NM_015180.6).
Identifiers: ClinVar variation 2644290 (VCV002644290.24), dbSNP rs749968967, ClinGen allele CA7221620.